The following is an entry in ClinVar:

NM_004006.3(DMD):c.699_703del (p.Ser234fs)

Gene: DMD (dystrophin; minus strand). Cytogenetic location: Xp21.1.
Variant type: Microsatellite.
Coding change: c.699_703del on transcript NM_004006.3 (MANE Select); coding-DNA positions 699 to 703, 5 bases deleted (ATCAC; older notation c.699_703delATCAC).
Protein change: p.Ser234fs; shifts the reading frame from serine 234.
Molecular consequence: frameshift variant.
Genome position (GRCh38, 1-based): chrX:32,699,240-32,699,244, GTGAT deleted on the plus strand (ATCAC on the coding strand, the reverse complement: DMD is on the minus strand); deleting any 5 consecutive bases within chrX:32,699,240-32,699,251 gives the same sequence; the c. name uses the placement nearest the transcript's 3' end. VCF-style (leftmost placement, unchanged base first): chrX-32699239-AGTGAT-A. GRCh37 (hg19) VCF-style: chrX-32717356-AGTGAT-A.
Other names: c.675_679del, p.Ser226fs (NM_000109.4); c.687_691del, p.Ser230fs (NM_004009.3); c.330_334del, p.Ser111fs (NM_004010.3); short protein forms S226fs, S111fs, S230fs, S234fs.
Identifiers: ClinVar variation 2032302 (VCV002032302.4), dbSNP rs1569469298, ClinGen allele CA2580616953.
Genomic context (GRCh38, chrX:32,699,239, plus strand): 5'-GGCAACATTTCCACTTCCTGGATGGCTTCAATGCTCACTTGTTGAGGCAAAACTTGGAAG[AGTGAT>A]GTGATGTACATTAAGATGGACTTCTTATCTGGATAGGTGGTATCAACATCTGTAAGCACA-3'

ClinVar aggregate classification (germline): Pathogenic (1 of 4 stars; one submission).

Conditions:
Duchenne muscular dystrophy (DMD). Also called: MUSCULAR DYSTROPHY, PSEUDOHYPERTROPHIC PROGRESSIVE, DUCHENNE TYPE; Duchenne Muscular Dystrophy (DMD). Identifiers: Orphanet 98896, MedGen C0013264, MONDO:0010679, OMIM 310200.

Submission:

Labcorp Genetics (formerly Invitae), Labcorp
Classification: Pathogenic for Duchenne muscular dystrophy. Last evaluated: 2022-11-02. Review status: criteria provided, single submitter. Criteria: Invitae Variant Classification Sherloc (09022015). Collection method: clinical testing. Allele origin: germline.
Comment: This variant is not present in population databases (gnomAD no frequency). This variant has not been reported in the literature in individuals affected with DMD-related conditions. For these reasons, this variant has been classified as Pathogenic. This sequence change creates a premature translational stop signal (p.Ser234Leufs*11) in the DMD gene. It is expected to result in an absent or disrupted protein product. Loss-of-function variants in DMD are known to be pathogenic (PMID: 16770791, 25007885).

Literature cited by the submitters: PubMed 16770791; PubMed 25007885.